The following is an entry in ClinVar:

NM_170606.3(KMT2C):c.9989C>G (p.Pro3330Arg)

Gene: KMT2C (lysine methyltransferase 2C; minus strand). Cytogenetic location: 7q36.1.
Variant type: single nucleotide variant.
Coding change: c.9989C>G on transcript NM_170606.3 (MANE Select); coding-DNA position 9989, C replaced by G.
Protein change: p.Pro3330Arg; replaces proline 3330 with arginine.
Molecular consequence: missense variant.
Genome position (GRCh38, 1-based): chr7:152,163,588, G>C on the plus strand (C>G on the coding strand, the complement: KMT2C is on the minus strand). VCF-style: chr7-152163588-G-C. GRCh37 (hg19) VCF-style: chr7-151860673-G-C.
Other names: c.9989C>G (NM_170606.2); short protein forms P3330R.
Identifiers: ClinVar variation 134795 (VCV000134795.6), dbSNP rs545625106, ClinGen allele CA160759.
Genomic context (GRCh38, chr7:152,163,588, plus strand): 5'-CTAGGAGGATTGAGGGGCAGGTGGGCAGGAGCACTGTTGGGTTGCCATCCAGGTAAACTG[G>C]GCATTCTAACAGGGCTAGTATGGCCAGAAATAACTGTTGTGTGCTGCTGGTGCTGAAGCT-3'
Protein context (NP_733751.2, residues 3320-3340): ISGHTSPVRM[Pro3330Arg]SLPGWQPNSA

ClinVar aggregate classification (germline): Conflicting classifications of pathogenicity. Review status: criteria provided, conflicting classifications (1 of 4 stars). 6 submissions from 6 submitters: Uncertain significance (3); Likely benign (2). 1 of the submissions does not count toward it. Last evaluated 2026-08-26.

Conditions:
KMT2C-related disorder. Also called: KMT2C-related disorders; KMT2C-related condition.
Kleefstra syndrome 2 (KLEFS2). Identifiers: MedGen C4540395, MONDO:0054701, OMIM 617768.
Inborn genetic diseases. Identifiers: MedGen C0950123, MeSH D030342.

Allele frequency attached by ClinVar (database versions not stated): gnomAD 0.00001; gnomAD exomes 0.00001; TOPMed 0.00002.
gnomAD v4.1: 18 of 1,604,744 alleles (0.0011%); highest among the groups gnomAD compares: Admixed American, 0.015%; no homozygotes.

Submissions (6):

PreventionGenetics, part of Exact Sciences
Classification: Uncertain significance for KMT2C-related condition. Last evaluated: 2026-08-26. Review status: criteria provided, single submitter. Criteria: ACMG Guidelines, 2015. Collection method: clinical testing. Allele origin: germline.
Comment: The KMT2C c.9989C>G variant is predicted to result in the amino acid substitution p.Pro3330Arg. To our knowledge, this variant has not been reported in the literature. This variant is reported in 0.0057% of alleles in individuals of Latino descent in gnomAD. At this time, the clinical significance of this variant is uncertain due to the absence of conclusive functional and genetic evidence.

Women's Health and Genetics/Laboratory Corporation of America, LabCorp
Classification: Likely benign. Last evaluated: 2026-06-11. Review status: criteria provided, single submitter. Criteria: LabCorp Variant Classification Summary - May 2015. Collection method: clinical testing. Allele origin: germline.
Comment: Variant summary: KMT2C c.9989C>G (p.Pro3330Arg) results in a non-conservative amino acid change in the encoded protein sequence. Algorithms developed to predict the effect of missense changes on protein structure and function all suggest that this variant is likely to be disruptive. The variant allele was found at a frequency of 8.2e-06 in 244438 control chromosomes. A total of 18 heterozygotes of this variant were reported in the gnomAD database v4. To our knowledge, no occurrence of c.9989C>G in individuals affected with KMT2C-related conditions and no experimental evidence demonstrating its impact on protein function have been reported. ClinVar contains an entry for this variant (Variation ID: 134795). Based on the evidence outlined above, the variant was classified as likely benign.

Labcorp Genetics (formerly Invitae), Labcorp
Classification: Likely benign. Last evaluated: 2026-01-23. Review status: criteria provided, single submitter. Criteria: Invitae Variant Classification Sherloc (09022015). Collection method: clinical testing. Allele origin: germline.

Ambry Genetics
Classification: Uncertain significance for Inborn genetic diseases. Last evaluated: 2024-04-20. Review status: criteria provided, single submitter. Criteria: Ambry Variant Classification Scheme 2023. Collection method: clinical testing. Allele origin: germline.

New York Genome Center
Classification: Uncertain significance for Kleefstra syndrome 2. Last evaluated: 2020-08-26. Review status: criteria provided, single submitter. Criteria: NYGC Assertion Criteria 2020. Collection method: clinical testing. Allele origin: germline. Observed: 1 heterozygote. Study: CSER-NYCKidSeq.

ITMI
No classification provided. Condition: AllHighlyPenetrant. Last evaluated: 2013-09-19. Review status: no classification provided. Collection method: reference population. Allele origin: germline. Not counted in ClinVar's aggregate classification.
Comment: Please see associated publication for description of ethnicities

Literature cited by the submitters: PubMed 24728327 (cited by ITMI).